The following is an entry in ClinVar:

ClinVar aggregate classification (germline): Uncertain significance (1 of 4 stars; one submission).

Allele frequency attached by ClinVar (database versions not stated): gnomAD exomes below 0.00001.
gnomAD v4.1: 1 of 1,612,810 alleles (0.000062%); highest among the groups gnomAD compares: East Asian, 0.0022%; no homozygotes.

Submission:

CeGaT Center for Human Genetics Tuebingen
Classification: Uncertain significance. Last evaluated: 2022-11-01. Review status: criteria provided, single submitter. Criteria: CeGaT Center For Human Genetics Tuebingen Variant Classification Criteria Version 2. Collection method: clinical testing. Allele origin: germline. Affected: yes. Observed: 1 variant allele.
Comment: GRM8: PM2, PP3

NM_000845.3(GRM8):c.1198G>A (p.Gly400Arg)

Gene: GRM8 (glutamate metabotropic receptor 8; minus strand). Cytogenetic location: 7q31.33.
Variant type: single nucleotide variant.
Coding change: c.1198G>A on transcript NM_000845.3 (MANE Select); coding-DNA position 1198, G replaced by A.
Protein change: p.Gly400Arg; replaces glycine 400 with arginine.
Molecular consequence: missense variant. On other transcripts: non-coding transcript variant (3).
Genome position (GRCh38, 1-based): chr7:126,770,024, C>T on the plus strand (G>A on the coding strand, the complement: GRM8 is on the minus strand). VCF-style: chr7-126770024-C-T. GRCh37 (hg19) VCF-style: chr7-126410078-C-T.
Other names: c.1198G>A, p.Gly400Arg (NM_001127323.1, NM_001127326.1, NM_001371083.1 and 4 more transcripts); c.583G>A, p.Gly195Arg (NM_001371087.1); short protein forms G195R, G400R.
Identifiers: ClinVar variation 2657977 (VCV002657977.24), dbSNP rs1354751327, ClinGen allele CA369425469.